The following is an entry in ClinVar:

NM_000059.4(BRCA2):c.8178T>A (p.Tyr2726Ter)

Gene: BRCA2 (BRCA2 DNA repair associated; plus strand). Cytogenetic location: 13q13.1.
Variant type: single nucleotide variant.
Coding change: c.8178T>A on transcript NM_000059.4 (MANE Select); coding-DNA position 8178, T replaced by A.
Protein change: p.Tyr2726Ter; replaces tyrosine 2726 with a stop codon.
Molecular consequence: nonsense.
Genome position (GRCh38, 1-based): chr13:32,363,380, T>A. VCF-style: chr13-32363380-T-A. GRCh37 (hg19) VCF-style: chr13-32937517-T-A.
Other names: short protein forms Y2726*.
Identifiers: ClinVar variation 254620 (VCV000254620.14), dbSNP rs761595544, ClinGen allele CA10586587.
Genomic context (GRCh38, chr13:32,363,380, plus strand): 5'-TAAAACTAGTAGTGCAGATACCCAAAAAGTGGCCATTATTGAACTTACAGATGGGTGGTA[T>A]GCTGTTAAGGCCCAGTTAGATCCTCCCCTCTTAGCTGTCTTAAAGAATGGCAGACTGACA-3'

ClinVar aggregate classification (germline): Pathogenic. Review status: reviewed by expert panel (3 of 4 stars). 8 submissions from 8 submitters: Pathogenic (1). 7 of the submissions do not count toward it. Last evaluated 2016-09-08.

Conditions:
Hereditary cancer-predisposing syndrome. Also called: Neoplastic Syndromes, Hereditary; Hereditary Cancer Syndrome; Tumor predisposition; Hereditary neoplastic syndrome. Identifiers: Orphanet 140162, MedGen C0027672, MeSH D009386, MONDO:0015356.
Breast-ovarian cancer, familial, susceptibility to, 2 (BROVCA2). Also called: BRCA2 Hereditary Breast and Ovarian Cancer. Identifiers: Orphanet 145, MedGen C2675520, MONDO:0012933, OMIM 612555. Disease mechanism: loss of function.
Hereditary breast ovarian cancer syndrome. Also called: Hereditary breast and ovarian cancer; BRCA1- and BRCA2-Associated Hereditary Breast and Ovarian Cancer; Hereditary breast and ovarian cancer syndrome; Hereditary breast and ovarian cancer syndrome (HBOC); Breast and ovarian cancer; Hereditary breast and/or ovarian cancer syndrome. Identifiers: Orphanet 145, MedGen C0677776, MeSH D061325, MONDO:0003582. Disease mechanism: loss of function.

Submissions (8):

Evidence-based Network for the Interpretation of Germline Mutant Alleles (ENIGMA)
Classification: Pathogenic for Breast-ovarian cancer, familial, susceptibility to, 2. Last evaluated: 2016-09-08. Review status: reviewed by expert panel. Criteria: ENIGMA BRCA1/2 Classification Criteria (2015). Collection method: curation. Allele origin: germline.
Comment: Variant allele predicted to encode a truncated non-functional protein.

Ambry Genetics
Classification: Pathogenic for Hereditary cancer-predisposing syndrome. Last evaluated: 2026-05-15. Review status: criteria provided, single submitter. Criteria: Ambry Variant Classification Scheme 2023. Collection method: clinical testing. Allele origin: germline. Not counted in ClinVar's aggregate classification.
Comment: The p.Y2726* pathogenic mutation (also known as c.8178T>A), located in coding exon 17 of the BRCA2 gene, results from a T to A substitution at nucleotide position 8178. This changes the amino acid from a tyrosine to a stop codon within coding exon 17. Two saturation genome editing-based studies, including a haploid cell-survival assay and a humanized mouse embryonic stem cell line assay of drug response and survival, demonstrate that this nucleotide substitution is non-functional(Huang H et al. Nature. 2025 Feb;638(8050):528-537; Sahu S et al. Nature. 2025 Feb;638(8050):538-545). This variant is considered to be rare based on population cohorts in the Genome Aggregation Database (gnomAD). This alteration is expected to result in loss of function by premature protein truncation or nonsense-mediated mRNA decay. As such, this alteration is interpreted as a disease-causing mutation.

Labcorp Genetics (formerly Invitae), Labcorp
Classification: Pathogenic for Hereditary breast ovarian cancer syndrome. Last evaluated: 2025-08-24. Review status: criteria provided, single submitter. Criteria: Invitae Variant Classification Sherloc (09022015). Collection method: clinical testing. Allele origin: germline. Not counted in ClinVar's aggregate classification.
Comment: This sequence change creates a premature translational stop signal (p.Tyr2726*) in the BRCA2 gene. It is expected to result in an absent or disrupted protein product. Loss-of-function variants in BRCA2 are known to be pathogenic (PMID: 20104584). This variant is not present in population databases (gnomAD no frequency). This variant has not been reported in the literature in individuals affected with BRCA2-related conditions. ClinVar contains an entry for this variant (Variation ID: 254620). For these reasons, this variant has been classified as Pathogenic.

Consortium of Investigators of Modifiers of BRCA1/2 (CIMBA), c/o University of Cambridge
Classification: Pathogenic for Breast-ovarian cancer, familial, susceptibility to, 2. Last evaluated: 2015-10-02. Review status: criteria provided, single submitter. Criteria: CIMBA Mutation Classification guidelines May 2016. Collection method: clinical testing. Allele origin: germline. Not counted in ClinVar's aggregate classification.

Clinical Genetics DNA and cytogenetics Diagnostics Lab, Erasmus MC, Erasmus Medical Center
Classification: Pathogenic for Breast-ovarian cancer, familial, susceptibility to, 2. Last evaluated: 2015-09-21. Review status: criteria provided, single submitter. Criteria: ACGS Guidelines, 2013. Collection method: clinical testing. Allele origin: germline. Affected: yes. Study: VKGL Data-share Consensus. Not counted in ClinVar's aggregate classification.

Research Molecular Genetics Laboratory, Women's College Hospital, University of Toronto
Classification: Pathogenic for Hereditary breast ovarian cancer syndrome. Last evaluated: 2014-01-31. Review status: no assertion criteria provided. Collection method: research. Allele origin: germline. Affected: yes. Study: The Canadian Open Genetics Repository (COGR). Not counted in ClinVar's aggregate classification.

Diagnostic Laboratory, Department of Genetics, University Medical Center Groningen
Classification: Pathogenic for Breast-ovarian cancer, familial, susceptibility to, 2. Review status: no assertion criteria provided. Collection method: clinical testing. Allele origin: germline. Affected: yes. Study: VKGL Data-share Consensus. Not counted in ClinVar's aggregate classification.

Joint Genome Diagnostic Labs from Nijmegen and Maastricht, Radboudumc and MUMC+
Classification: Pathogenic. Review status: no assertion criteria provided. Collection method: clinical testing. Allele origin: germline. Affected: yes. Study: VKGL Data-share Consensus. Not counted in ClinVar's aggregate classification.

Literature cited by the submitters: PubMed 39779848 (cited by Ambry Genetics); PubMed 39779857 (cited by Ambry Genetics); PubMed 20104584 (cited by Labcorp Genetics (formerly Invitae), Labcorp).